The following is an entry in ClinVar:

NM_005219.5(DIAPH1):c.3409G>T (p.Asp1137Tyr)

Gene: DIAPH1 (diaphanous related formin 1; minus strand). Cytogenetic location: 5q31.3.
Variant type: single nucleotide variant.
Coding change: c.3409G>T on transcript NM_005219.5 (MANE Select); coding-DNA position 3409, G replaced by T.
Protein change: p.Asp1137Tyr; replaces aspartic acid 1137 with tyrosine.
Molecular consequence: missense variant.
Genome position (GRCh38, 1-based): chr5:141,526,326, C>A on the plus strand (G>T on the coding strand, the complement: DIAPH1 is on the minus strand). VCF-style: chr5-141526326-C-A. GRCh37 (hg19) VCF-style: chr5-140905893-C-A.
Other names: c.3382G>T, p.Asp1128Tyr (NM_001079812.3); c.3409G>T, p.Asp1137Tyr (NM_001314007.2); short protein forms D1137Y, D1128Y.
Identifiers: ClinVar variation 2946671 (VCV002946671.3), dbSNP rs2513618601, ClinGen allele CA361578284.
Genomic context (GRCh38, chr5:141,526,326, plus strand): 5'-AAGATTCAGTCAGCAAGTATCCCTTGCTCACCAAAAACATATTCCGAAAATTGTGAAGAT[C>A]CATGAAAAATTCTTCAACAGACAACTTCTTGGGGTCAAAGAGGAAGTACTCGCCCAGCTC-3'
Protein context (NP_005210.3, residues 1127-1147): KKLSVEEFFM[Asp1137Tyr]LHNFRNMFLQ

ClinVar aggregate classification (germline): Uncertain significance (1 of 4 stars; one submission).

Conditions:
Autosomal dominant nonsyndromic hearing loss 1. Also called: KONIGSMARK SYNDROME; DEAFNESS, AUTOSOMAL DOMINANT 1, WITH OR WITHOUT THROMBOCYTOPENIA. Identifiers: Orphanet 90635, MedGen C1852282, MONDO:0007424, OMIM 124900.
Progressive microcephaly-seizures-cortical blindness-developmental delay syndrome. Also called: Seizures, cortical blindness, and microcephaly syndrome. Identifiers: Orphanet 477814, MedGen C5567650, MONDO:0014714, OMIM 616632.

Submission:

Labcorp Genetics (formerly Invitae), Labcorp
Classification: Uncertain significance for Progressive microcephaly-seizures-cortical blindness-developmental delay syndrome; Autosomal dominant nonsyndromic hearing loss 1. Last evaluated: 2023-04-22. Review status: criteria provided, single submitter. Criteria: Invitae Variant Classification Sherloc (09022015). Collection method: clinical testing. Allele origin: germline.
Comment: This variant has not been reported in the literature in individuals affected with DIAPH1-related conditions. In summary, the available evidence is currently insufficient to determine the role of this variant in disease. Therefore, it has been classified as a Variant of Uncertain Significance. An algorithm developed to predict the effect of missense changes on protein structure and function (PolyPhen-2) suggests that this variant is likely to be disruptive. This variant is not present in population databases (gnomAD no frequency). This sequence change replaces aspartic acid, which is acidic and polar, with tyrosine, which is neutral and polar, at codon 1137 of the DIAPH1 protein (p.Asp1137Tyr).